The following is an entry in ClinVar:

ClinVar aggregate classification (germline): Uncertain significance (1 of 4 stars; one submission).

Conditions:
Glycine encephalopathy. Also called: Nonketotic hyperglycinemia; Non-ketotic hyperglycinemia. Identifiers: Orphanet 407, MedGen C0751748, MONDO:0011612, HP:0008288.

Submission:

Labcorp Genetics (formerly Invitae), Labcorp
Classification: Uncertain significance for Glycine encephalopathy. Last evaluated: 2022-06-29. Review status: criteria provided, single submitter. Criteria: Invitae Variant Classification Sherloc (09022015). Collection method: clinical testing. Allele origin: germline.
Comment: In summary, the available evidence is currently insufficient to determine the role of this variant in disease. Therefore, it has been classified as a Variant of Uncertain Significance. Experimental studies and prediction algorithms are not available or were not evaluated, and the functional significance of this variant is currently unknown. This variant has not been reported in the literature in individuals affected with GLDC-related conditions. This variant results in a copy number gain of the genomic region encompassing exon(s) 1-19 of the GLDC gene. This region includes the initiator codon of the gene. This copy number gain extends beyond the assayed region for this gene and therefore may encompass additional genes. As the precise location of this event is unknown, it may be in tandem or it may be located elsewhere in the genome.

NC_000009.11:g.(?_6554649)_(6645499_?)dup

Gene: GLDC (glycine decarboxylase; minus strand). Cytogenetic location: 9p24.1.
Variant type: Duplication.
Identifiers: ClinVar variation 2422521 (VCV002422521.7).